The following is an entry in ClinVar:

ClinVar aggregate classification (germline): Benign/Likely benign. Review status: criteria provided, multiple submitters, no conflicts (2 of 4 stars). 4 submissions from 4 submitters: Benign (2); Likely benign (2). Last evaluated 2026-02-01.

Allele frequency attached by ClinVar (database versions not stated): 1000 Genomes Project 0.00260; 1000 Genomes Project 30x 0.00312; TOPMed 0.00350; ESP Exome Variant Server 0.00500; gnomAD 0.00622.
gnomAD v4.1: 6,458 of 1,607,192 alleles (0.4%); highest among the groups gnomAD compares: African/African-American, 0.52%; 16 homozygotes.

Submissions (4):

CeGaT Center for Human Genetics Tuebingen
Classification: Likely benign. Last evaluated: 2026-02-01. Review status: criteria provided, single submitter. Criteria: CeGaT Center For Human Genetics Tuebingen Variant Classification Criteria Version 2. Collection method: clinical testing. Allele origin: germline. Affected: yes. Observed: 8 variant alleles.
Comment: COL27A1: BP4, BP7, BS2

Labcorp Genetics (formerly Invitae), Labcorp
Classification: Benign. Last evaluated: 2026-01-20. Review status: criteria provided, single submitter. Criteria: Invitae Variant Classification Sherloc (09022015). Collection method: clinical testing. Allele origin: germline.

Blueprint Genetics
Classification: Likely benign. Last evaluated: 2024-11-19. Review status: criteria provided, single submitter. Criteria: ACMG Guidelines, 2015. Collection method: clinical testing. Allele origin: germline.

Breakthrough Genomics
Classification: Benign. Review status: criteria provided, single submitter. Criteria: ACMG Guidelines, 2015. Collection method: not provided. Allele origin: germline. Inheritance: Autosomal recessive inheritance. Affected: yes.

NM_032888.4(COL27A1):c.408C>T (p.Val136=)

Gene: COL27A1 (collagen type XXVII alpha 1 chain; plus strand). Cytogenetic location: 9q32.
Variant type: single nucleotide variant.
Coding change: c.408C>T on transcript NM_032888.4 (MANE Select); coding-DNA position 408, C replaced by T.
Protein change: p.Val136=; no amino-acid change (valine 136 retained).
Molecular consequence: synonymous variant.
Genome position (GRCh38, 1-based): chr9:114,167,963, C>T. VCF-style: chr9-114167963-C-T. GRCh37 (hg19) VCF-style: chr9-116930243-C-T.
Identifiers: ClinVar variation 771734 (VCV000771734.35), dbSNP rs146589272, ClinGen allele CA5201139.